The following is an entry in ClinVar:

ClinVar aggregate classification (germline): Uncertain significance (1 of 4 stars; one submission).

Conditions:
Multiple endocrine neoplasia type 4. Also called: MULTIPLE ENDOCRINE NEOPLASIA, TYPE IV. Identifiers: Orphanet 276152, MedGen C1970712, MONDO:0012552, OMIM 610755.

Submission:

Labcorp Genetics (formerly Invitae), Labcorp
Classification: Uncertain significance for Multiple endocrine neoplasia type 4. Last evaluated: 2025-07-18. Review status: criteria provided, single submitter. Criteria: Invitae Variant Classification Sherloc (09022015). Collection method: clinical testing. Allele origin: germline.
Comment: This sequence change replaces histidine, which is basic and polar, with aspartic acid, which is acidic and polar, at codon 38 of the CDKN1B protein (p.His38Asp). This variant is not present in population databases (gnomAD no frequency). This variant has not been reported in the literature in individuals affected with CDKN1B-related conditions. An algorithm developed to predict the effect of missense changes on protein structure and function (PolyPhen-2) suggests that this variant is likely to be disruptive. In summary, the available evidence is currently insufficient to determine the role of this variant in disease. Therefore, it has been classified as a Variant of Uncertain Significance.

NM_004064.5(CDKN1B):c.112C>G (p.His38Asp)

Gene: CDKN1B (cyclin dependent kinase inhibitor 1B; plus strand). Cytogenetic location: 12p13.1.
Variant type: single nucleotide variant.
Coding change: c.112C>G on transcript NM_004064.5 (MANE Select); coding-DNA position 112, C replaced by G.
Protein change: p.His38Asp; replaces histidine 38 with aspartic acid.
Molecular consequence: missense variant.
Genome position (GRCh38, 1-based): chr12:12,717,951, C>G. VCF-style: chr12-12717951-C-G. GRCh37 (hg19) VCF-style: chr12-12870885-C-G.
Other names: short protein forms H38D.
Identifiers: ClinVar variation 4723428 (VCV004723428.1).